The following is an entry in ClinVar:

NM_000444.6(PHEX):c.2069A>C (p.His690Pro)

Genes: PHEX (phosphate regulating endopeptidase X-linked; plus strand), PTCHD1-AS (PTCHD1 and PHEX antisense RNA; minus strand). Cytogenetic location: Xp22.11.
Variant type: single nucleotide variant.
Coding change: c.2069A>C on transcript NM_000444.6 (MANE Select); coding-DNA position 2069, A replaced by C.
Protein change: p.His690Pro; replaces histidine 690 with proline.
Molecular consequence: missense variant. On other transcripts: non-coding transcript variant (1).
Genome position (GRCh38, 1-based): chrX:22,227,610, A>C. VCF-style: chrX-22227610-A-C. GRCh37 (hg19) VCF-style: chrX-22245727-A-C.
Other names: c.2069A>C, p.His690Pro (NM_001282754.2); short protein forms H690P.
Identifiers: ClinVar variation 4535303 (VCV004535303.6).
Genomic context (GRCh38, chrX:22,227,610, plus strand): 5'-AGCCTCTTCTACCAGGCATCACATTCACCAACAACCAGCTCTTCTTCCTGAGTTATGCTC[A>C]TGTGAGTAGACTGAGGAAGGGGCATCAGGGATGAGATGCAGGACTTGAGTTTGCTCCCTT-3'
Protein context (NP_000435.3, residues 680-700): NNQLFFLSYA[His690Pro]VRCNSYRPEA

ClinVar aggregate classification (germline): Uncertain significance (1 of 4 stars; one submission).

Submission:

CeGaT Center for Human Genetics Tuebingen
Classification: Uncertain significance. Last evaluated: 2025-11-01. Review status: criteria provided, single submitter. Criteria: CeGaT Center For Human Genetics Tuebingen Variant Classification Criteria Version 2. Collection method: clinical testing. Allele origin: germline. Affected: yes. Observed: 1 variant allele.
Comment: PHEX: PM1, PM2, PS4:Supporting